The following is an entry in ClinVar:

NM_013382.7(POMT2):c.671C>G (p.Pro224Arg)

Genes: POMT2 (protein O-mannosyltransferase 2; minus strand), LOC130056175 (ATAC-STARR-seq lymphoblastoid silent region 5968; plus strand). Cytogenetic location: 14q24.3.
Variant type: single nucleotide variant.
Coding change: c.671C>G on transcript NM_013382.7 (MANE Select); coding-DNA position 671, C replaced by G.
Protein change: p.Pro224Arg; replaces proline 224 with arginine.
Molecular consequence: missense variant.
Genome position (GRCh38, 1-based): chr14:77,301,235, G>C on the plus strand (C>G on the coding strand, the complement: POMT2 is on the minus strand). VCF-style: chr14-77301235-G-C. GRCh37 (hg19) VCF-style: chr14-77767578-G-C.
Other names: c.671C>G (NM_013382.5); short protein forms P224R.
Identifiers: ClinVar variation 593713 (VCV000593713.11), dbSNP rs771995900, ClinGen allele CA7286110.

ClinVar aggregate classification (germline): Uncertain significance. Review status: criteria provided, multiple submitters, no conflicts (2 of 4 stars). 3 submissions from 3 submitters: Uncertain significance (3). Last evaluated 2023-12-29.

Conditions:
Muscular dystrophy-dystroglycanopathy (congenital with brain and eye anomalies), type A2. Also called: WALKER-WARBURG SYNDROME OR MUSCLE-EYE-BRAIN DISEASE, POMT2-RELATED; MUSCULAR DYSTROPHY-DYSTROGLYCANOPATHY (CONGENITAL WITH BRAIN AND EYE ANOMALIES), TYPE A, 2. Identifiers: Orphanet 588, Orphanet 899, MedGen C3150411, MONDO:0013154, OMIM 613150.
Muscular dystrophy-dystroglycanopathy (congenital with impaired intellectual development), type B, 2. Also called: Muscular dystrophy-dystroglycanopathy (congenital with intellectual disability), type B2; MUSCULAR DYSTROPHY, CONGENITAL, POMT2-RELATED. Identifiers: MedGen C3150416, MONDO:0013160, OMIM 613156.
Autosomal recessive limb-girdle muscular dystrophy type 2N. Also called: MUSCULAR DYSTROPHY-DYSTROGLYCANOPATHY, LIMB-GIRDLE, POMT2-RELATED; Muscular dystrophy-dystroglycanopathy (limb-girdle), type C, 2. Identifiers: Orphanet 206559, MedGen C3150418, MONDO:0013162, OMIM 613158.

Allele frequency attached by ClinVar (database versions not stated): gnomAD 0.00001; ExAC 0.00001.
gnomAD v4.1: 7 of 1,614,048 alleles (0.00043%); highest among the groups gnomAD compares: South Asian, 0.0011%; no homozygotes.

Submissions (3):

Revvity Omics, Revvity
Classification: Uncertain significance. Last evaluated: 2023-12-29. Review status: criteria provided, single submitter. Criteria: ACMG Guidelines, 2015. Collection method: clinical testing. Allele origin: germline.

Labcorp Genetics (formerly Invitae), Labcorp
Classification: Uncertain significance for Muscular dystrophy-dystroglycanopathy (congenital with impaired intellectual development), type B, 2; Muscular dystrophy-dystroglycanopathy (congenital with brain and eye anomalies), type A2; Autosomal recessive limb-girdle muscular dystrophy type 2N. Last evaluated: 2022-07-18. Review status: criteria provided, single submitter. Criteria: Invitae Variant Classification Sherloc (09022015). Collection method: clinical testing. Allele origin: germline.
Comment: This sequence change replaces proline, which is neutral and non-polar, with arginine, which is basic and polar, at codon 224 of the POMT2 protein (p.Pro224Arg). This variant is present in population databases (rs771995900, gnomAD 0.002%). This variant has not been reported in the literature in individuals affected with POMT2-related conditions. ClinVar contains an entry for this variant (Variation ID: 593713). Algorithms developed to predict the effect of missense changes on protein structure and function (SIFT, PolyPhen-2, Align-GVGD) all suggest that this variant is likely to be tolerated. In summary, the available evidence is currently insufficient to determine the role of this variant in disease. Therefore, it has been classified as a Variant of Uncertain Significance.

Eurofins Ntd Llc (ga)
Classification: Uncertain significance. Last evaluated: 2017-08-22. Review status: criteria provided, single submitter. Criteria: EGL Classification Definitions 2015. Collection method: clinical testing. Allele origin: germline. Observed: 1 variant allele, 1 heterozygote.